The following is an entry in ClinVar:

NM_007212.4(RNF2):c.1008A>G (p.Lys336=)

Gene: RNF2 (ring finger protein 2; plus strand). Cytogenetic location: 1q25.3.
Variant type: single nucleotide variant.
Coding change: c.1008A>G on transcript NM_007212.4 (MANE Select); coding-DNA position 1008, A replaced by G.
Protein change: p.Lys336=; no amino-acid change (lysine 336 retained).
Molecular consequence: synonymous variant.
Genome position (GRCh38, 1-based): chr1:185,100,298, A>G. VCF-style: chr1-185100298-A-G. GRCh37 (hg19) VCF-style: chr1-185069430-A-G.
Identifiers: ClinVar variation 2633881 (VCV002633881.1), dbSNP rs1652041854, ClinGen allele CA422309673.

ClinVar aggregate classification (germline): Uncertain significance (1 of 4 stars; one submission).

Conditions:
RNF2-related disorder. Also called: RNF2-related condition.

Allele frequency attached by ClinVar (database versions not stated): gnomAD exomes below 0.00001; TOPMed below 0.00001.
gnomAD v4.1: 5 of 1,602,022 alleles (0.00031%); highest among the groups gnomAD compares: Non-Finnish European, 0.00043%; no homozygotes.

Submission:

PreventionGenetics, part of Exact Sciences
Classification: Uncertain significance for RNF2-related condition. Last evaluated: 2023-04-04. Review status: criteria provided, single submitter. Criteria: ACMG Guidelines, 2015. Collection method: clinical testing. Allele origin: germline.
Comment: The RNF2 c.1008A>G variant is not predicted to result in an amino acid change (p.=). This variant is predicted to alter splicing based on available splicing prediction programs (Alamut Visual Plus v1.6.1). However, the use of computer prediction programs is not equivalent to functional evidence. To our knowledge, this variant has not been reported in the literature or in a large population database, indicating this variant is rare. At this time, the clinical significance of this variant is uncertain.